The following is an entry in ClinVar:

ClinVar aggregate classification (germline): Benign/Likely benign. Review status: criteria provided, multiple submitters, no conflicts (2 of 4 stars). 3 submissions from 3 submitters: Benign (1); Likely benign (1). 1 of the submissions does not count toward it. Last evaluated 2025-11-10.

Conditions:
Primary ciliary dyskinesia. Also called: Ciliary dyskinesia. Identifiers: Orphanet 244, MedGen C0008780, MONDO:0016575, HP:0012265.
DNAAF3-related disorder. Also called: DNAAF3-related condition.

Allele frequency attached by ClinVar (database versions not stated): TOPMed 0.00005; gnomAD 0.00026; gnomAD exomes 0.00034 and 0.00077; ExAC 0.00073; 1000 Genomes Project 30x 0.00219; 1000 Genomes Project 0.00240.
gnomAD v4.1: 541 of 1,613,888 alleles (0.034%); highest among the groups gnomAD compares: South Asian, 0.56%; 6 homozygotes.

Submissions (3):

Labcorp Genetics (formerly Invitae), Labcorp
Classification: Benign for Primary ciliary dyskinesia. Last evaluated: 2025-11-10. Review status: criteria provided, single submitter. Criteria: Invitae Variant Classification Sherloc (09022015). Collection method: clinical testing. Allele origin: germline.

Ambry Genetics
Classification: Likely benign for Primary ciliary dyskinesia. Last evaluated: 2025-10-01. Review status: criteria provided, single submitter. Criteria: Ambry Variant Classification Scheme 2023. Collection method: clinical testing. Allele origin: germline.

PreventionGenetics, part of Exact Sciences
Classification: Likely benign for DNAAF3-related condition. Last evaluated: 2020-01-27. Review status: no assertion criteria provided. Collection method: clinical testing. Allele origin: germline. Not counted in ClinVar's aggregate classification.
Comment: This variant is classified as likely benign based on ACMG/AMP sequence variant interpretation guidelines (Richards et al. 2015 PMID: 25741868, with internal and published modifications).

NM_001256715.2(DNAAF3):c.1124G>A (p.Cys375Tyr)

Genes: DNAAF3 (dynein axonemal assembly factor 3; minus strand), DNAAF3-AS1 (DNAAF3 antisense RNA 1; plus strand). Cytogenetic location: 19q13.42.
Variant type: single nucleotide variant.
Coding change: c.1124G>A on transcript NM_001256715.2 (MANE Select); coding-DNA position 1124, G replaced by A.
Protein change: p.Cys375Tyr; replaces cysteine 375 with tyrosine.
Molecular consequence: missense variant.
Genome position (GRCh38, 1-based): chr19:55,159,938, C>T on the plus strand (G>A on the coding strand, the complement: DNAAF3 is on the minus strand). VCF-style: chr19-55159938-C-T. GRCh37 (hg19) VCF-style: chr19-55671306-C-T.
Other names: c.1325G>A, p.Cys442Tyr (NM_001256714.1); c.962G>A, p.Cys321Tyr (NM_001256716.2); c.1265G>A, p.Cys422Tyr (NM_178837.4); short protein forms C321Y, C375Y, C422Y, C442Y.
Identifiers: ClinVar variation 1646619 (VCV001646619.10), dbSNP rs549436949, ClinGen allele CA9667901.